The following is an entry in ClinVar:

NM_000432.4(MYL2):c.148A>G (p.Arg50Gly)

Gene: MYL2 (myosin light chain 2; minus strand). Cytogenetic location: 12q24.11.
Variant type: single nucleotide variant.
Coding change: c.148A>G on transcript NM_000432.4 (MANE Select); coding-DNA position 148, A replaced by G.
Protein change: p.Arg50Gly; replaces arginine 50 with glycine.
Molecular consequence: missense variant. On other transcripts: intron variant (1).
Genome position (GRCh38, 1-based): chr12:110,915,736, T>C on the plus strand (A>G on the coding strand, the complement: MYL2 is on the minus strand). VCF-style: chr12-110915736-T-C. GRCh37 (hg19) VCF-style: chr12-111353540-T-C.
Other names: c.91A>G, p.Arg31Gly (NM_001406916.1); c.94-1412A>G (NM_001406745.1); short protein forms R31G, R50G.
Identifiers: ClinVar variation 4752129 (VCV004752129.1).

ClinVar aggregate classification (germline): Uncertain significance (1 of 4 stars; one submission).

Conditions:
Hypertrophic cardiomyopathy 10. Also called: CARDIOMYOPATHY, HYPERTROPHIC, MID-LEFT VENTRICULAR CHAMBER TYPE, 2; MYL2-Related Familial Hypertrophic Cardiomyopathy. Identifiers: MedGen C1834460, MONDO:0012112, OMIM 608758.

Submission:

Labcorp Genetics (formerly Invitae), Labcorp
Classification: Uncertain significance for Hypertrophic cardiomyopathy 10. Last evaluated: 2025-04-17. Review status: criteria provided, single submitter. Criteria: Invitae Variant Classification Sherloc (09022015). Collection method: clinical testing. Allele origin: germline.
Comment: This sequence change replaces arginine, which is basic and polar, with glycine, which is neutral and non-polar, at codon 50 of the MYL2 protein (p.Arg50Gly). This variant is not present in population databases (gnomAD no frequency). This variant has not been reported in the literature in individuals affected with MYL2-related conditions. An algorithm developed to predict the effect of missense changes on protein structure and function (PolyPhen-2) suggests that this variant is likely to be disruptive. In summary, the available evidence is currently insufficient to determine the role of this variant in disease. Therefore, it has been classified as a Variant of Uncertain Significance.